The following is an entry in ClinVar:

ClinVar aggregate classification (germline): Uncertain significance (1 of 4 stars; one submission).

Conditions:
Cardiovascular phenotype. Identifiers: MedGen CN230736.
Hereditary cancer-predisposing syndrome. Also called: Neoplastic Syndromes, Hereditary; Tumor predisposition; Hereditary Cancer Syndrome; Hereditary neoplastic syndrome. Identifiers: Orphanet 140162, MedGen C0027672, MeSH D009386, MONDO:0015356.

Submission:

Ambry Genetics
Classification: Uncertain significance for Cardiovascular phenotype; Hereditary cancer-predisposing syndrome. Last evaluated: 2024-02-26. Review status: criteria provided, single submitter. Criteria: Ambry Variant Classification Scheme 2023. Collection method: clinical testing. Allele origin: germline.
Comment: The p.T2544P variant (also known as c.7630A>C), located in coding exon 51 of the NF1 gene, results from an A to C substitution at nucleotide position 7630. The threonine at codon 2544 is replaced by proline, an amino acid with highly similar properties. This amino acid position is highly conserved in available vertebrate species. In addition, the in silico prediction for this alteration is inconclusive. Based on the available evidence, the clinical significance of this alteration remains unclear.

NM_001042492.3(NF1):c.7693A>C (p.Thr2565Pro)

Gene: NF1 (neurofibromin 1; plus strand). Cytogenetic location: 17q11.2.
Variant type: single nucleotide variant.
Coding change: c.7693A>C on transcript NM_001042492.3 (MANE Select); coding-DNA position 7693, A replaced by C.
Protein change: p.Thr2565Pro; replaces threonine 2565 with proline.
Molecular consequence: missense variant.
Genome position (GRCh38, 1-based): chr17:31,356,537, A>C. VCF-style: chr17-31356537-A-C. GRCh37 (hg19) VCF-style: chr17-29683555-A-C.
Other names: c.7630A>C, p.Thr2544Pro (NM_000267.4); short protein forms T2565P, T2544P.
Identifiers: ClinVar variation 481931 (VCV000481931.5), dbSNP rs786202548, ClinGen allele CA399018144.
Genomic context (GRCh38, chr17:31,356,537, plus strand): 5'-GATCACTTGATATCAGACACAAAGGCTCCTAAAAGGCAAGAAATGGAATCAGGGATCACA[A>C]CACCCCCCAAAATGAGGAGAGTAGCAGAAACTGATTATGAAATGGGTGAGAAACAAAGTA-3'
Protein context (NP_001035957.1, residues 2555-2575): KRQEMESGIT[Thr2565Pro]PPKMRRVAET